The following is an entry in ClinVar:

NM_001267550.2(TTN):c.70485A>T (p.Lys23495Asn)

Genes: TTN (titin; minus strand), TTN-AS1 (TTN antisense RNA 1; plus strand), LOC126806422 (BRD4-independent group 4 enhancer GRCh37_chr2:179440205-179441404; plus strand). Cytogenetic location: 2q31.2.
Variant type: single nucleotide variant.
Coding change: c.70485A>T on transcript NM_001267550.2 (MANE Select); coding-DNA position 70485, A replaced by T.
Protein change: p.Lys23495Asn; replaces lysine 23495 with asparagine.
Molecular consequence: missense variant.
Genome position (GRCh38, 1-based): chr2:178,575,647, T>A on the plus strand (A>T on the coding strand, the complement: TTN is on the minus strand). VCF-style: chr2-178575647-T-A. GRCh37 (hg19) VCF-style: chr2-179440374-T-A.
Other names: p.Lys20927Asn; c.65562A>T, p.Lys21854Asn (NM_001256850.1); c.43290A>T, p.Lys14430Asn (NM_003319.4); c.62781A>T, p.Lys20927Asn (NM_133378.4); c.43665A>T, p.Lys14555Asn (NM_133432.3); c.43866A>T, p.Lys14622Asn (NM_133437.4); c.70485A>T (LRG_391t1); short protein forms K23495N, K14430N, K14555N, K21854N, K20927N, K14622N.
Identifiers: ClinVar variation 448814 (VCV000448814.15), dbSNP rs1482776876, ClinGen allele CA349662887.
Genomic context (GRCh38, chr2:178,575,647, plus strand): 5'-ATATTCATTCTCTGCCATCACTCTGAAGAAATATTCACACCCTTCAGACAAGCCGGTAAC[T>A]TTATATGTGCATTTATGGCACTTAGTGGTGGCTGTGGAATAAGATTTCCGTGTTGCTTCA-3'
Protein context (NP_001254479.2, residues 23485-23505): ATTKCHKCTY[Lys23495Asn]VTGLSEGCEY

ClinVar aggregate classification (germline): Uncertain significance. Review status: criteria provided, multiple submitters, no conflicts (2 of 4 stars). 10 submissions from 10 submitters: Uncertain significance (7). 3 of the submissions do not count toward it. Last evaluated 2025-06-20.

Conditions:
Cardiovascular phenotype. Identifiers: MedGen CN230736.

Allele frequency attached by ClinVar (database versions not stated): gnomAD exomes 0.00001 and 0.00002; TOPMed 0.00001.
gnomAD v4.1: 21 of 1,613,594 alleles (0.0013%); highest among the groups gnomAD compares: Non-Finnish European, 0.0014%; no homozygotes.

Submissions (10):

GeneDx
Classification: Uncertain significance. Last evaluated: 2025-06-20. Review status: criteria provided, single submitter. Criteria: GeneDx Variant Classification Process June 2021. Collection method: clinical testing. Allele origin: germline. Affected: yes.
Comment: Not observed at significant frequency in large population cohorts (gnomAD); Missense variant in a gene in which most reported pathogenic variants are truncating/loss of function; Has not been previously published as pathogenic or benign to our knowledge

ARUP Laboratories, Molecular Genetics and Genomics, ARUP Laboratories
Classification: Uncertain significance. Last evaluated: 2025-04-22. Review status: criteria provided, single submitter. Criteria: ARUP Molecular Germline Variant Investigation Process 2024. Collection method: clinical testing. Allele origin: germline.
Comment: The TTN c.70485A>T; p.Lys23495Asn variant (rs1482776876; ClinVar Variation ID: 448814) is rare in the general population (<0.2% allele frequency in the Genome Aggregation Database) and has not been reported in the medical literature in association with dilated cardiomyopathy (DCM) or other TTN-related disease. The clinical relevance of rare missense variants in this gene, which are identified on average once per individual sequenced in affected populations (Herman 2012), is not well understood. Yet, evidence suggests that the vast majority of such missense variants do not contribute to the clinical outcome of DCM (Begay 2015). Thus, the clinical significance of the p.Lys23495Asn variant cannot be determined with certainty. References: Begay RL et al. Role of Titin Missense Variants in Dilated Cardiomyopathy. J Am Heart Assoc. 2015 Nov 13;4(11). PMID: 26567375. Herman DS et al. Truncations of titin causing dilated cardiomyopathy. N Engl J Med. 2012 Feb 16;366(7):619-28. PMID: 22335739. Linke WA and Hamdani N. Gigantic business: titin properties and function through thick and thin. Circ Res 2014; 114(6): 1052-1068. PMID: 24625729.

Mayo Clinic Laboratories, Mayo Clinic
Classification: Uncertain significance. Last evaluated: 2023-12-07. Review status: criteria provided, single submitter. Criteria: ACMG Guidelines, 2015. Collection method: clinical testing. Allele origin: germline. Observed: 1 variant allele.

Revvity Omics, Revvity
Classification: Uncertain significance. Last evaluated: 2020-12-22. Review status: criteria provided, single submitter. Criteria: ACMG Guidelines, 2015. Collection method: clinical testing. Allele origin: germline.

Ambry Genetics
Classification: Uncertain significance for Cardiovascular phenotype. Last evaluated: 2020-02-11. Review status: criteria provided, single submitter. Criteria: Ambry Variant Classification Scheme 2023. Collection method: clinical testing. Allele origin: germline.
Comment: The p.K14430N variant (also known as c.43290A>T), located in coding exon 153 of the TTN gene, results from an A to T substitution at nucleotide position 43290. The lysine at codon 14430 is replaced by asparagine, an amino acid with similar properties. This amino acid position is not well conserved in available vertebrate species. In addition, this alteration is predicted to be tolerated by in silico analysis. Since supporting evidence is limited at this time, the clinical significance of this alteration remains unclear.

Athena Diagnostics
Classification: Uncertain significance. Last evaluated: 2017-02-10. Review status: criteria provided, single submitter. Criteria: Athena Diagnostics Criteria. Collection method: clinical testing. Allele origin: germline.

Breakthrough Genomics
Classification: Uncertain significance. Review status: criteria provided, single submitter. Criteria: ACMG Guidelines, 2015. Collection method: not provided. Allele origin: germline. Inheritance: Autosomal recessive inheritance. Affected: yes.

Clinical Genetics, Academic Medical Center
Classification: Uncertain significance. Review status: no assertion criteria provided. Collection method: clinical testing. Allele origin: germline. Affected: yes. Study: VKGL Data-share Consensus. Not counted in ClinVar's aggregate classification.

Diagnostic Laboratory, Department of Genetics, University Medical Center Groningen
Classification: Uncertain significance. Review status: no assertion criteria provided. Collection method: clinical testing. Allele origin: germline. Affected: yes. Study: VKGL Data-share Consensus. Not counted in ClinVar's aggregate classification.

Joint Genome Diagnostic Labs from Nijmegen and Maastricht, Radboudumc and MUMC+
Classification: Uncertain significance. Review status: no assertion criteria provided. Collection method: clinical testing. Allele origin: germline. Affected: yes. Study: VKGL Data-share Consensus. Not counted in ClinVar's aggregate classification.